The following is an entry in ClinVar:

NM_004606.5(TAF1):c.2826C>A (p.Ala942=)

Gene: TAF1 (TATA-box binding protein associated factor 1; plus strand). Cytogenetic location: Xq13.1.
Variant type: single nucleotide variant.
Coding change: c.2826C>A on transcript NM_004606.5 (MANE Select); coding-DNA position 2826, C replaced by A.
Protein change: p.Ala942=; no amino-acid change (alanine 942 retained).
Molecular consequence: synonymous variant. On other transcripts: non-coding transcript variant (9).
Genome position (GRCh38, 1-based): chrX:71,392,613, C>A. VCF-style: chrX-71392613-C-A. GRCh37 (hg19) VCF-style: chrX-70612463-C-A.
Other names: c.2826C>A, p.Ala942= (NM_001286074.2); c.2763C>A, p.Ala921= (NM_138923.4).
Identifiers: ClinVar variation 3771314 (VCV003771314.13).

ClinVar aggregate classification (germline): Likely benign (1 of 4 stars; one submission).

gnomAD v4.1: 4 of 1,206,081 alleles (0.00033%); no homozygotes.

Submission:

CeGaT Center for Human Genetics Tuebingen
Classification: Likely benign. Last evaluated: 2025-02-01. Review status: criteria provided, single submitter. Criteria: CeGaT Center For Human Genetics Tuebingen Variant Classification Criteria Version 2. Collection method: clinical testing. Allele origin: germline. Affected: yes. Observed: 1 variant allele.
Comment: TAF1: BP4, BP7